The following is an entry in ClinVar:

NM_002667.5(PLN):c.56A>G (p.Glu19Gly)

Genes: CEP85L (centrosomal protein 85L; minus strand), PLN (phospholamban; plus strand). Cytogenetic location: 6q22.31.
Variant type: single nucleotide variant.
Coding change: c.56A>G on transcript NM_002667.5 (MANE Select); coding-DNA position 56, A replaced by G.
Protein change: p.Glu19Gly; replaces glutamic acid 19 with glycine.
Molecular consequence: missense variant. On other transcripts: intron variant (3).
Genome position (GRCh38, 1-based): chr6:118,558,977, A>G. VCF-style: chr6-118558977-A-G. GRCh37 (hg19) VCF-style: chr6-118880140-A-G.
Other names: c.1029+6552T>C (NM_001178035.2); c.1020+6552T>C (NM_001042475.3, NM_206921.3); short protein forms E19G.
Identifiers: ClinVar variation 1415631 (VCV001415631.7), dbSNP rs2114969791, ClinGen allele CA365546191.

ClinVar aggregate classification (germline): Uncertain significance. Review status: criteria provided, multiple submitters, no conflicts (2 of 4 stars). 2 submissions from 2 submitters: Uncertain significance (2). Last evaluated 2022-05-12.

Conditions:
Dilated cardiomyopathy 1P (CMD1P). Identifiers: Orphanet 154, MedGen C1835928, MONDO:0012362, OMIM 609909.
Cardiovascular phenotype. Identifiers: MedGen CN230736.

Submissions (2):

Labcorp Genetics (formerly Invitae), Labcorp
Classification: Uncertain significance for Dilated cardiomyopathy 1P. Last evaluated: 2022-05-12. Review status: criteria provided, single submitter. Criteria: Invitae Variant Classification Sherloc (09022015). Collection method: clinical testing. Allele origin: germline.
Comment: This sequence change replaces glutamic acid, which is acidic and polar, with glycine, which is neutral and non-polar, at codon 19 of the PLN protein (p.Glu19Gly). This variant is not present in population databases (gnomAD no frequency). This variant has not been reported in the literature in individuals affected with PLN-related conditions. Algorithms developed to predict the effect of missense changes on protein structure and function (SIFT, PolyPhen-2, Align-GVGD) all suggest that this variant is likely to be disruptive. In summary, the available evidence is currently insufficient to determine the role of this variant in disease. Therefore, it has been classified as a Variant of Uncertain Significance.

Ambry Genetics
Classification: Uncertain significance for Cardiovascular phenotype. Last evaluated: 2021-11-28. Review status: criteria provided, single submitter. Criteria: Ambry Variant Classification Scheme 2023. Collection method: clinical testing. Allele origin: germline.
Comment: The p.E19G variant (also known as c.56A>G), located in coding exon 1 of the PLN gene, results from an A to G substitution at nucleotide position 56. The glutamic acid at codon 19 is replaced by glycine, an amino acid with similar properties. This amino acid position is conserved. In addition, this alteration is predicted to be deleterious by in silico analysis. Since supporting evidence is limited at this time, the clinical significance of this alteration remains unclear.